The following is an entry in ClinVar:

NM_001903.5(CTNNA1):c.2413G>A (p.Gly805Arg)

Gene: CTNNA1 (catenin alpha 1; plus strand). Cytogenetic location: 5q31.2.
Variant type: single nucleotide variant.
Coding change: c.2413G>A on transcript NM_001903.5 (MANE Select); coding-DNA position 2413, G replaced by A.
Protein change: p.Gly805Arg; replaces glycine 805 with arginine.
Molecular consequence: missense variant. On other transcripts: intron variant (1).
Genome position (GRCh38, 1-based): chr5:138,932,692, G>A. VCF-style: chr5-138932692-G-A. GRCh37 (hg19) VCF-style: chr5-138268381-G-A.
Other names: c.2413G>A, p.Gly805Arg (NM_001290307.3, NM_001323982.2, NM_001323983.1 and 2 more transcripts); c.2104G>A, p.Gly702Arg (NM_001290309.3); c.2044G>A, p.Gly682Arg (NM_001290310.3); c.1303G>A, p.Gly435Arg (NM_001290312.1, NM_001323987.1, NM_001323988.1 and 16 more transcripts); c.2320G>A, p.Gly774Arg (NM_001323986.2); c.964G>A, p.Gly322Arg (NM_001324006.1, NM_001324007.1, NM_001324008.1 and 2 more transcripts); c.1210G>A, p.Gly404Arg (NM_001324011.1); c.1060G>A, p.Gly354Arg (NM_001324012.1, NM_001324013.1); and 1 more; short protein forms G774R, G322R, G805R, G682R, G702R, G354R, G404R, G435R.
Identifiers: ClinVar variation 663377 (VCV000663377.12), dbSNP rs1297469358, ClinGen allele CA361134531.

ClinVar aggregate classification (germline): Uncertain significance. Review status: criteria provided, multiple submitters, no conflicts (2 of 4 stars). 2 submissions from 2 submitters: Uncertain significance (2). Last evaluated 2025-11-03.

Conditions:
Hereditary cancer-predisposing syndrome. Also called: Neoplastic Syndromes, Hereditary; Tumor predisposition; Hereditary neoplastic syndrome; Hereditary Cancer Syndrome. Identifiers: Orphanet 140162, MedGen C0027672, MeSH D009386, MONDO:0015356.

Allele frequency attached by ClinVar (database versions not stated): gnomAD exomes below 0.00001; TOPMed below 0.00001; gnomAD 0.00001.
gnomAD v4.1: 5 of 1,614,056 alleles (0.00031%); highest among the groups gnomAD compares: Non-Finnish European, 0.00025%; no homozygotes.

Submissions (2):

Labcorp Genetics (formerly Invitae), Labcorp
Classification: Uncertain significance. Last evaluated: 2025-11-03. Review status: criteria provided, single submitter. Criteria: Invitae Variant Classification Sherloc (09022015). Collection method: clinical testing. Allele origin: germline.
Comment: This sequence change replaces glycine, which is neutral and non-polar, with arginine, which is basic and polar, at codon 805 of the CTNNA1 protein (p.Gly805Arg). This variant is not present in population databases (gnomAD no frequency). This variant has not been reported in the literature in individuals affected with CTNNA1-related conditions. ClinVar contains an entry for this variant (Variation ID: 663377). An algorithm developed to predict the effect of missense changes on protein structure and function (PolyPhen-2) suggests that this variant is likely to be disruptive. In summary, the available evidence is currently insufficient to determine the role of this variant in disease. Therefore, it has been classified as a Variant of Uncertain Significance.

Ambry Genetics
Classification: Uncertain significance for Hereditary cancer-predisposing syndrome. Last evaluated: 2024-09-09. Review status: criteria provided, single submitter. Criteria: Ambry Variant Classification Scheme 2023. Collection method: clinical testing. Allele origin: germline.
Comment: The p.G805R variant (also known as c.2413G>A), located in coding exon 16 of the CTNNA1 gene, results from a G to A substitution at nucleotide position 2413. The glycine at codon 805 is replaced by arginine, an amino acid with dissimilar properties. This amino acid position is highly conserved in available vertebrate species. In addition, the in silico prediction for this alteration is inconclusive. The evidence for this gene-disease relationship is limited; therefore, the clinical significance of this alteration is unclear.